The following is an entry in ClinVar:

NM_000059.4(BRCA2):c.2089A>G (p.Lys697Glu)

Gene: BRCA2 (BRCA2 DNA repair associated; plus strand). Cytogenetic location: 13q13.1.
Variant type: single nucleotide variant.
Coding change: c.2089A>G on transcript NM_000059.4 (MANE Select); coding-DNA position 2089, A replaced by G.
Protein change: p.Lys697Glu; replaces lysine 697 with glutamic acid.
Molecular consequence: missense variant.
Genome position (GRCh38, 1-based): chr13:32,336,444, A>G. VCF-style: chr13-32336444-A-G. GRCh37 (hg19) VCF-style: chr13-32910581-A-G.
Other names: short protein forms K697E.
Identifiers: ClinVar variation 229987 (VCV000229987.21), dbSNP rs876658320, ClinGen allele CA10579521.

ClinVar aggregate classification (germline): Conflicting classifications of pathogenicity. Review status: criteria provided, conflicting classifications (1 of 4 stars). 4 submissions from 4 submitters: Uncertain significance (3); Likely benign (1). Last evaluated 2025-04-17.

Conditions:
Hereditary cancer-predisposing syndrome. Also called: Hereditary neoplastic syndrome; Hereditary Cancer Syndrome; Neoplastic Syndromes, Hereditary; Tumor predisposition. Identifiers: Orphanet 140162, MedGen C0027672, MeSH D009386, MONDO:0015356.
Hereditary breast ovarian cancer syndrome. Also called: Hereditary breast and ovarian cancer syndrome; Hereditary breast and ovarian cancer syndrome (HBOC); Breast and ovarian cancer; Hereditary breast and/or ovarian cancer syndrome; Hereditary breast and ovarian cancer; BRCA1- and BRCA2-Associated Hereditary Breast and Ovarian Cancer. Identifiers: Orphanet 145, MedGen C0677776, MeSH D061325, MONDO:0003582. Disease mechanism: loss of function.

Allele frequency attached by ClinVar (database versions not stated): gnomAD exomes below 0.00001.
gnomAD v4.1: 1 of 1,613,940 alleles (0.000062%); highest among the groups gnomAD compares: East Asian, 0.0022%; no homozygotes.

Submissions (4):

Ambry Genetics
Classification: Uncertain significance for Hereditary cancer-predisposing syndrome. Last evaluated: 2025-04-17. Review status: criteria provided, single submitter. Criteria: Ambry Variant Classification Scheme 2023. Collection method: clinical testing. Allele origin: germline.
Comment: The p.K697E variant (also known as c.2089A>G), located in coding exon 10 of the BRCA2 gene, results from an A to G substitution at nucleotide position 2089. The lysine at codon 697 is replaced by glutamic acid, an amino acid with similar properties. This amino acid position is not well conserved in available vertebrate species, and glutamic acid is the reference amino acid in multiple species. In addition, this alteration is predicted to be tolerated by in silico analysis. Since supporting evidence is limited at this time, the clinical significance of this alteration remains unclear.

GeneDx
Classification: Uncertain significance. Last evaluated: 2023-11-07. Review status: criteria provided, single submitter. Criteria: GeneDx Variant Classification Process June 2021. Collection method: clinical testing. Allele origin: germline. Affected: yes.
Comment: Identified in individuals referred for multi-gene panel testing with personal or family history of cancer (PMID: 31853058); Not observed at significant frequency in large population cohorts (gnomAD); In silico analysis supports that this missense variant has a deleterious effect on protein structure/function; Also known as 2317A>G; This variant is associated with the following publications: (PMID: 32377563, 29884841, 31853058)

University of Washington Department of Laboratory Medicine, University of Washington
Classification: Likely benign for Hereditary cancer-predisposing syndrome. Last evaluated: 2023-03-23. Review status: criteria provided, single submitter. Criteria: Dines et al. (Genet Med. 2020). Collection method: curation. Allele origin: germline.
Comment: Missense variant in a coldspot region where missense variants are very unlikely to be pathogenic (PMID:31911673).

BRCA2 exon 11 coldspot. Reclassification based on statistical prior probability.

Labcorp Genetics (formerly Invitae), Labcorp
Classification: Uncertain significance for Hereditary breast ovarian cancer syndrome. Last evaluated: 2022-10-24. Review status: criteria provided, single submitter. Criteria: Invitae Variant Classification Sherloc (09022015). Collection method: clinical testing. Allele origin: germline.
Comment: Advanced modeling of protein sequence and biophysical properties (such as structural, functional, and spatial information, amino acid conservation, physicochemical variation, residue mobility, and thermodynamic stability) performed at Invitae indicates that this missense variant is not expected to disrupt BRCA2 protein function. In summary, the available evidence is currently insufficient to determine the role of this variant in disease. Therefore, it has been classified as a Variant of Uncertain Significance. ClinVar contains an entry for this variant (Variation ID: 229987). This variant has not been reported in the literature in individuals affected with BRCA2-related conditions. This variant is present in population databases (no rsID available, gnomAD 0.006%). This sequence change replaces lysine, which is basic and polar, with glutamic acid, which is acidic and polar, at codon 697 of the BRCA2 protein (p.Lys697Glu).